The following is an entry in ClinVar:

NM_001211.6(BUB1B):c.2164T>C (p.Trp722Arg)

Gene: BUB1B (BUB1 mitotic checkpoint serine/threonine kinase B; plus strand). Cytogenetic location: 15q15.1.
Variant type: single nucleotide variant.
Coding change: c.2164T>C on transcript NM_001211.6 (MANE Select); coding-DNA position 2164, T replaced by C.
Protein change: p.Trp722Arg; replaces tryptophan 722 with arginine.
Molecular consequence: missense variant.
Genome position (GRCh38, 1-based): chr15:40,209,655, T>C. VCF-style: chr15-40209655-T-C. GRCh37 (hg19) VCF-style: chr15-40501856-T-C.
Other names: short protein forms W722R.
Identifiers: ClinVar variation 465365 (VCV000465365.50), dbSNP rs758664966, ClinGen allele CA7475978.

ClinVar aggregate classification (germline): Uncertain significance. Review status: criteria provided, multiple submitters, no conflicts (2 of 4 stars). 2 submissions from 2 submitters: Uncertain significance (2). Last evaluated 2025-04-07.

Conditions:
Mosaic variegated aneuploidy syndrome 1 (MVA1). Also called: Warburton-Anyane-Yeboa syndrome. Identifiers: Orphanet 1052, MedGen C1850343, MONDO:0009759, OMIM 257300.
Inborn genetic diseases. Identifiers: MedGen C0950123, MeSH D030342.

Allele frequency attached by ClinVar (database versions not stated): TOPMed 0.00001; gnomAD exomes 0.00002 and 0.00009; gnomAD 0.00003; ExAC 0.00011.
gnomAD v4.1: 29 of 1,614,052 alleles (0.0018%); highest among the groups gnomAD compares: East Asian, 0.062%; no homozygotes.

Submissions (2):

Labcorp Genetics (formerly Invitae), Labcorp
Classification: Uncertain significance for Mosaic variegated aneuploidy syndrome 1. Last evaluated: 2025-04-07. Review status: criteria provided, single submitter. Criteria: Invitae Variant Classification Sherloc (09022015). Collection method: clinical testing. Allele origin: germline.
Comment: This sequence change replaces tryptophan, which is neutral and slightly polar, with arginine, which is basic and polar, at codon 722 of the BUB1B protein (p.Trp722Arg). This variant is present in population databases (rs758664966, gnomAD 0.1%). This variant has not been reported in the literature in individuals affected with BUB1B-related conditions. ClinVar contains an entry for this variant (Variation ID: 465365). An algorithm developed to predict the effect of missense changes on protein structure and function (PolyPhen-2) suggests that this variant is likely to be disruptive. In summary, the available evidence is currently insufficient to determine the role of this variant in disease. Therefore, it has been classified as a Variant of Uncertain Significance.

Ambry Genetics
Classification: Uncertain significance for Inborn genetic diseases. Last evaluated: 2021-06-28. Review status: criteria provided, single submitter. Criteria: Ambry Variant Classification Scheme 2023. Collection method: clinical testing. Allele origin: germline.
Comment: The p.W722R variant (also known as c.2164T>C), located in coding exon 17 of the BUB1B gene, results from a T to C substitution at nucleotide position 2164. The tryptophan at codon 722 is replaced by arginine, an amino acid with dissimilar properties. This amino acid position is conserved. In addition, the in silico prediction for this alteration is inconclusive. Since supporting evidence is limited at this time, the clinical significance of this alteration remains unclear.